The following is an entry in ClinVar:

NM_005902.4(SMAD3):c.2T>C (p.Met1Thr)

Genes: SMAD3 (SMAD family member 3; plus strand), LOC130057352 (ATAC-STARR-seq lymphoblastoid silent region 6574; plus strand). Cytogenetic location: 15q22.33.
Variant type: single nucleotide variant.
Coding change: c.2T>C on transcript NM_005902.4 (MANE Select); coding-DNA position 2, T replaced by C.
Protein change: p.Met1Thr; changes the start codon (methionine 1).
Molecular consequence: missense variant, initiator codon variant.
Genome position (GRCh38, 1-based): chr15:67,066,156, T>C. VCF-style: chr15-67066156-T-C. GRCh37 (hg19) VCF-style: chr15-67358494-T-C.
Other names: c.2T>C, p.Met1Thr (NM_001407011.1, NM_001407012.1, NM_001407013.1); short protein forms M1T.
Identifiers: ClinVar variation 3075380 (VCV003075380.2), dbSNP rs2504999773, ClinGen allele CA393202669.

ClinVar aggregate classification (germline): Pathogenic/Likely pathogenic. Review status: criteria provided, multiple submitters, no conflicts (2 of 4 stars). 2 submissions from 2 submitters: Pathogenic (1); Likely pathogenic (1). Last evaluated 2025-10-19.

Conditions:
Aneurysm-osteoarthritis syndrome. Also called: ANEURYSMS-OSTEOARTHRITIS SYNDROME; SMAD3-Related Loeys-Dietz Syndrome; LOEYS-DIETZ SYNDROME WITH OSTEOARTHRITIS; Loeys-Dietz syndrome, type 1C. Identifiers: Orphanet 284984, MedGen C3151087, MONDO:0013426, OMIM 613795.
Familial thoracic aortic aneurysm and aortic dissection (TAAD). Also called: Thoracic aortic aneurysms and dissections. Identifiers: Orphanet 91387, MedGen C4707243, MONDO:0019625.

Submissions (2):

Labcorp Genetics (formerly Invitae), Labcorp
Classification: Pathogenic for Familial thoracic aortic aneurysm and aortic dissection. Last evaluated: 2025-10-19. Review status: criteria provided, single submitter. Criteria: Invitae Variant Classification Sherloc (09022015). Collection method: clinical testing. Allele origin: germline.
Comment: This sequence change affects the initiator codon of the SMAD3 mRNA. This change may impact translation initiation or efficiency. The next in-frame methionine is located at codon 106. This variant is not present in population databases (gnomAD no frequency). Disruption of the initiator codon has been observed in individuals with clinical features of SMAD3-related conditions (PMID: 26333736, 29907982, 33125268). ClinVar contains an entry for this variant (Variation ID: 3075380). This variant disrupts a region of the SMAD3 protein in which other variant(s) (p.Arg74Trp) have been determined to be pathogenic (PMID: 29510914, 31096651). This suggests that this is a clinically significant region of the protein, and that variants that disrupt it are likely to be disease-causing. For these reasons, this variant has been classified as Pathogenic.

All of Us Research Program, National Institutes of Health
Classification: Likely pathogenic for Aneurysm-osteoarthritis syndrome. Last evaluated: 2024-01-09. Review status: criteria provided, single submitter. Criteria: ACMG Guidelines, 2015. Collection method: clinical testing. Allele origin: germline. Inheritance: Autosomal dominant inheritance. Observed: 1 variant allele, 1 heterozygote.
Comment: The c.2T>C (p.Met1?) variant of the SMAD3 gene creates a start loss, resulting in a disrupted protein product. This variant has been reported in a patient with adolescent idiopathic scoliosis (PMID: 26333736). This variant has not been identified in the general population by the Genome Aggregation Database (gnomAD). Therefore, the c.2T>C (p.Met1?) variant of the SMAD3 gene is classified as likely pathogenic.

This study involves interpretation of variants in research participants for the purpose of population health screening. Participant phenotype was not available at the time of variant classification. Additional details can be found in publication PMID: 35346344, PMCID: PMC8962531

Literature cited by the submitters: PubMed 26333736 (cited by Labcorp Genetics (formerly Invitae), Labcorp and All of Us Research Program, National Institutes of Health); PubMed 29907982 (cited by Labcorp Genetics (formerly Invitae), Labcorp); PubMed 33125268 (cited by Labcorp Genetics (formerly Invitae), Labcorp); PubMed 29510914 (cited by Labcorp Genetics (formerly Invitae), Labcorp); PubMed 31096651 (cited by Labcorp Genetics (formerly Invitae), Labcorp).